The following is an entry in ClinVar:

ClinVar aggregate classification (germline): Uncertain significance (1 of 4 stars; one submission).

Conditions:
Developmental delay with or without dysmorphic facies and autism. Identifiers: MedGen C5193106, MONDO:0032760, OMIM 618454.

Submission:

3billion
Classification: Uncertain significance for Developmental delay with or without dysmorphic facies and autism. Last evaluated: 2025-04-10. Review status: criteria provided, single submitter. Criteria: ACMG Guidelines, 2015. Collection method: clinical testing. Allele origin: germline. Affected: yes.
Comment: The variant is not observed in the gnomAD v4.1.0 dataset. Predicted Consequence/Location: Inframe deletion located in a nonrepeat region, predicted to change the length of the protein and disrupt normal protein function. Therefore, this variant is classified as VUS according to the recommendation of ACMG/AMP guideline.

NM_001375524.1(TRRAP):c.10583GGC[1] (p.Arg3529del)

Gene: TRRAP (transformation/transcription domain associated protein; plus strand). Cytogenetic location: 7q22.1.
Variant type: Microsatellite.
Coding change: c.10583GGC[1] on transcript NM_001375524.1 (MANE Select); one copy of the 3-base unit GGC starting at c.10583; the reference has two copies in a row; one copy, 3 bases deleted; also written c.10586_10588del.
Protein change: p.Arg3529del; deletes arginine 3529.
Molecular consequence: inframe deletion.
Genome position (GRCh38, 1-based): chr7:99,005,181-99,005,183, GGC deleted; deleting any 3 consecutive bases within chr7:99,005,177-99,005,183 gives the same sequence; the position shown is the placement nearest the transcript's 3' end. VCF-style (leftmost placement, unchanged base first): chr7-99005176-CCGG-C. GRCh37 (hg19) VCF-style: chr7-98602799-CCGG-C.
Other names: c.10541GGC[1], p.Arg3515del (NM_001244580.2); c.10454GGC[1], p.Arg3486del (NM_003496.4); c.10586_10588del (NM_001375524.1); short protein forms R3486del, R3515del, R3529del.
Identifiers: ClinVar variation 4072297 (VCV004072297.1).